The following is an entry in ClinVar:

ClinVar aggregate classification (germline): Uncertain significance (1 of 4 stars; one submission).

Conditions:
DOCK2 deficiency. Also called: Immunodeficiency 40. Identifiers: Orphanet 447737, MedGen C4225328, MONDO:0014637, OMIM 616433.

Submission:

Labcorp Genetics (formerly Invitae), Labcorp
Classification: Uncertain significance for DOCK2 deficiency. Last evaluated: 2022-10-24. Review status: criteria provided, single submitter. Criteria: Invitae Variant Classification Sherloc (09022015). Collection method: clinical testing. Allele origin: germline.
Comment: In summary, the available evidence is currently insufficient to determine the role of this variant in disease. Therefore, it has been classified as a Variant of Uncertain Significance. Algorithms developed to predict the effect of missense changes on protein structure and function (SIFT, PolyPhen-2, Align-GVGD) all suggest that this variant is likely to be tolerated. ClinVar contains an entry for this variant (Variation ID: 1524167). This variant has not been reported in the literature in individuals affected with DOCK2-related conditions. This variant is not present in population databases (gnomAD no frequency). This sequence change replaces serine, which is neutral and polar, with proline, which is neutral and non-polar, at codon 963 of the DOCK2 protein (p.Ser963Pro).

NM_004946.3(DOCK2):c.2887T>C (p.Ser963Pro)

Gene: DOCK2 (dedicator of cytokinesis 2; plus strand). Cytogenetic location: 5q35.1.
Variant type: single nucleotide variant.
Coding change: c.2887T>C on transcript NM_004946.3 (MANE Select); coding-DNA position 2887, T replaced by C.
Protein change: p.Ser963Pro; replaces serine 963 with proline.
Molecular consequence: missense variant. On other transcripts: non-coding transcript variant (1).
Genome position (GRCh38, 1-based): chr5:169,983,155, T>C. VCF-style: chr5-169983155-T-C. GRCh37 (hg19) VCF-style: chr5-169410159-T-C.
Other names: short protein forms S963P.
Identifiers: ClinVar variation 1524167 (VCV001524167.8), dbSNP rs2113785584, ClinGen allele CA362203207.
Genomic context (GRCh38, chr5:169,983,155, plus strand): 5'-ATCTTAAACCAGATGGGTGACCAGCACTACTCCTTCTACATTGAGACCTTCCAGACCAGC[T>C]CTGAACTTGTGGTGAGTCTGCAGGATGCTGGGGGTGAGGAAGAACTCTTCCATCTCTGGA-3'
Protein context (NP_004937.1, residues 953-973): SFYIETFQTS[Ser963Pro]ELVDFLMETF